The following is an entry in ClinVar:

ClinVar aggregate classification (germline): Uncertain significance (1 of 4 stars; one submission).

Conditions:
Severe combined immunodeficiency due to DNA-PKcs deficiency. Also called: IMMUNODEFICIENCY 26 WITH NEUROLOGIC ABNORMALITIES; Immunodeficiency 26 with or without neurologic abnormalities. Identifiers: Orphanet 317425, MedGen C4014833, MONDO:0014423, OMIM 615966.

Allele frequency attached by ClinVar (database versions not stated): gnomAD exomes below 0.00001; gnomAD 0.00001; TOPMed 0.00001; ExAC 0.00009.
gnomAD v4.1: 6 of 1,544,598 alleles (0.00039%); highest among the groups gnomAD compares: Admixed American, 0.004%; no homozygotes.

Submission:

Labcorp Genetics (formerly Invitae), Labcorp
Classification: Uncertain significance for Severe combined immunodeficiency due to DNA-PKcs deficiency. Last evaluated: 2021-07-19. Review status: criteria provided, single submitter. Criteria: Invitae Variant Classification Sherloc (09022015). Collection method: clinical testing. Allele origin: germline.
Comment: In summary, the available evidence is currently insufficient to determine the role of this variant in disease. Therefore, it has been classified as a Variant of Uncertain Significance. Experimental studies and prediction algorithms are not available or were not evaluated, and the functional significance of this variant is currently unknown. This variant has not been reported in the literature in individuals affected with PRKDC-related conditions. The frequency data for this variant in the population databases is considered unreliable, as metrics indicate poor data quality at this position in the ExAC database. This sequence change replaces arginine with histidine at codon 2143 of the PRKDC protein (p.Arg2143His). The arginine residue is highly conserved and there is a small physicochemical difference between arginine and histidine.

NM_006904.7(PRKDC):c.6428G>A (p.Arg2143His)

Gene: PRKDC (protein kinase, DNA-activated, catalytic subunit; minus strand). Cytogenetic location: 8q11.21.
Variant type: single nucleotide variant.
Coding change: c.6428G>A on transcript NM_006904.7 (MANE Select); coding-DNA position 6428, G replaced by A.
Protein change: p.Arg2143His; replaces arginine 2143 with histidine.
Molecular consequence: missense variant.
Genome position (GRCh38, 1-based): chr8:47,858,553, C>T on the plus strand (G>A on the coding strand, the complement: PRKDC is on the minus strand). VCF-style: chr8-47858553-C-T. GRCh37 (hg19) VCF-style: chr8-48771114-C-T.
Other names: c.6428G>A, p.Arg2143His (NM_001081640.2); short protein forms R2143H.
Identifiers: ClinVar variation 1486713 (VCV001486713.5), dbSNP rs760738985, ClinGen allele CA4740355.
Genomic context (GRCh38, chr8:47,858,553, plus strand): 5'-TAAAGAAATAATCAATTACTTACCTCTTCTGTATTAATAACAAGCTTGGCTAAGAAGAGA[C>T]GGATATTTAATGGTACTATTGGATTTCCCAGTTTGCCATGGAGGAATTTCATCCAAGAAG-3'
Protein context (NP_008835.5, residues 2133-2153): LGNPIVPLNI[Arg2143His]LFLAKLVINT